The following is an entry in ClinVar:

ClinVar aggregate classification (germline): Conflicting classifications of pathogenicity. Review status: criteria provided, conflicting classifications (1 of 4 stars). 3 submissions from 3 submitters: Uncertain significance (2); Likely benign (1). Last evaluated 2025-04-30.

Conditions:
ANLN-related disorder. Also called: ANLN-related condition.

Allele frequency attached by ClinVar (database versions not stated): TOPMed 0.00023; gnomAD 0.00029.
gnomAD v4.1: 74 of 1,595,562 alleles (0.0046%); highest among the groups gnomAD compares: Admixed American, 0.13%; no homozygotes.

Submissions (3):

Labcorp Genetics (formerly Invitae), Labcorp
Classification: Uncertain significance. Last evaluated: 2025-04-30. Review status: criteria provided, single submitter. Criteria: Invitae Variant Classification Sherloc (09022015). Collection method: clinical testing. Allele origin: germline.
Comment: This sequence change replaces leucine, which is neutral and non-polar, with phenylalanine, which is neutral and non-polar, at codon 170 of the ANLN protein (p.Leu170Phe). This variant is present in population databases (no rsID available, gnomAD 0.06%), and has an allele count higher than expected for a pathogenic variant. This variant has not been reported in the literature in individuals affected with ANLN-related conditions. ClinVar contains an entry for this variant (Variation ID: 1899371). An algorithm developed to predict the effect of missense changes on protein structure and function (PolyPhen-2) suggests that this variant is likely to be tolerated. In summary, the available evidence is currently insufficient to determine the role of this variant in disease. Therefore, it has been classified as a Variant of Uncertain Significance.

PreventionGenetics, part of Exact Sciences
Classification: Likely benign for ANLN-related condition. Last evaluated: 2025-03-22. Review status: criteria provided, single submitter. Criteria: ACMG Guidelines, 2015. Collection method: clinical testing. Allele origin: germline.
Comment: This variant is classified as likely benign based on ACMG/AMP sequence variant interpretation guidelines (Richards et al. 2015 PMID: 25741868, with internal and published modifications).

Ambry Genetics
Classification: Uncertain significance. Last evaluated: 2024-07-09. Review status: criteria provided, single submitter. Criteria: Ambry Variant Classification Scheme 2023. Collection method: clinical testing. Allele origin: germline.

NM_018685.5(ANLN):c.508C>T (p.Leu170Phe)

Gene: ANLN (anillin, actin binding protein; plus strand). Cytogenetic location: 7p14.2.
Variant type: single nucleotide variant.
Coding change: c.508C>T on transcript NM_018685.5 (MANE Select); coding-DNA position 508, C replaced by T.
Protein change: p.Leu170Phe; replaces leucine 170 with phenylalanine.
Molecular consequence: missense variant.
Genome position (GRCh38, 1-based): chr7:36,406,201, C>T. VCF-style: chr7-36406201-C-T. GRCh37 (hg19) VCF-style: chr7-36445810-C-T.
Other names: c.508C>T (NM_018685.4, NM_018685.2); c.508C>T, p.Leu170Phe (NM_001284301.3, NM_001284302.3); short protein forms L170F.
Identifiers: ClinVar variation 1899371 (VCV001899371.7), dbSNP rs1489053887, ClinGen allele CA367206404.